The following is an entry in ClinVar:

ClinVar aggregate classification (germline): Likely pathogenic. Review status: criteria provided, multiple submitters, no conflicts (2 of 4 stars). 2 submissions from 2 submitters: Likely pathogenic (2). Last evaluated 2024-09-10.

Conditions:
Breast-ovarian cancer, familial, susceptibility to, 4. Identifiers: Orphanet 145, MedGen C3280345, MONDO:0013669, OMIM 614291.

Submissions (2):

Labcorp Genetics (formerly Invitae), Labcorp
Classification: Likely pathogenic for Breast-ovarian cancer, familial, susceptibility to, 4. Last evaluated: 2024-09-10. Review status: criteria provided, single submitter. Criteria: Invitae Variant Classification Sherloc (09022015). Collection method: clinical testing. Allele origin: germline.
Comment: This sequence change affects a donor splice site in intron 1 of the RAD51D gene. It is expected to disrupt RNA splicing. Variants that disrupt the donor or acceptor splice site typically lead to a loss of protein function (PMID: 16199547), and loss-of-function variants in RAD51D are known to be pathogenic (PMID: 21822267). This variant is not present in population databases (gnomAD no frequency). Disruption of this splice site has been observed in individual(s) with ovarian cancer (PMID: 28888541). Algorithms developed to predict the effect of sequence changes on RNA splicing suggest that this variant may disrupt the consensus splice site. In summary, the currently available evidence indicates that the variant is pathogenic, but additional data are needed to prove that conclusively. Therefore, this variant has been classified as Likely Pathogenic.

Myriad Genetics, Inc.
Classification: Likely pathogenic for Breast-ovarian cancer, familial, susceptibility to, 4. Last evaluated: 2024-01-03. Review status: criteria provided, single submitter. Criteria: Myriad Autosomal Dominant, Autosomal Recessive and X-Linked Classification Criteria (2023). Collection method: clinical testing. Allele origin: unknown.
Comment: This variant is considered likely pathogenic. This variant occurs within a consensus splice junction and is predicted to result in abnormal mRNA splicing of either an out-of-frame exon or an in-frame exon necessary for protein stability and/or normal function.

Literature cited by the submitters: PubMed 16199547 (cited by Labcorp Genetics (formerly Invitae), Labcorp); PubMed 21822267 (cited by Labcorp Genetics (formerly Invitae), Labcorp); PubMed 28888541 (cited by Labcorp Genetics (formerly Invitae), Labcorp).

NM_002878.4(RAD51D):c.82+1G>C

Genes: RAD51L3-RFFL (RAD51L3-RFFL readthrough; minus strand), RAD51D (RAD51 paralog D; minus strand). Cytogenetic location: 17q12.
Variant type: single nucleotide variant.
Coding change: c.82+1G>C on transcript NM_002878.4 (MANE Select); the canonical splice donor site of the intron after coding-DNA position 82, G replaced by C.
Molecular consequence: splice donor variant.
Genome position (GRCh38, 1-based): chr17:35,119,531, C>G on the plus strand (G>C on the coding strand, the complement: RAD51D is on the minus strand). VCF-style: chr17-35119531-C-G. GRCh37 (hg19) VCF-style: chr17-33446550-C-G.
Other names: c.82+1G>C (NM_133629.3, NM_001142571.2).
Identifiers: ClinVar variation 3148245 (VCV003148245.3), dbSNP rs786202788, ClinGen allele CA399092232.